The following is an entry in ClinVar:

NM_032656.4(DHX37):c.1830G>A (p.Pro610=)

Gene: DHX37 (DEAH-box helicase 37; minus strand). Cytogenetic location: 12q24.31.
Variant type: single nucleotide variant.
Coding change: c.1830G>A on transcript NM_032656.4 (MANE Select); coding-DNA position 1830, G replaced by A.
Protein change: p.Pro610=; no amino-acid change (proline 610 retained).
Molecular consequence: synonymous variant.
Genome position (GRCh38, 1-based): chr12:124,964,609, C>T on the plus strand (G>A on the coding strand, the complement: DHX37 is on the minus strand). VCF-style: chr12-124964609-C-T. GRCh37 (hg19) VCF-style: chr12-125449155-C-T.
Other names: NC_000012.11:g.125449155C>T.
Identifiers: ClinVar variation 4381883 (VCV004381883.3).

ClinVar aggregate classification (germline): Uncertain significance (1 of 4 stars; one submission).

gnomAD v4.1: 65 of 1,610,776 alleles (0.004%); highest among the groups gnomAD compares: African/African-American, 0.036%; no homozygotes.

Submissions (2):

Dasa
Classification: Uncertain significance. Last evaluated: 2025-04-12. Review status: criteria provided, single submitter. Criteria: DASA Assertion Criteria. Collection method: clinical testing. Allele origin: germline.
Comment: NM_032656.4(DHX37):c.1830G>A (p.Pro610=) is a synonymous variant predicted not to alter the encoded amino acid sequence. This variant is rare in population databases. The currently available literature and clinical evidence are not sufficient to establish a definitive association between this variant and the reported condition. Therefore, this variant is classified as a variant of uncertain significance.

Dr. Peter K. Rogan Lab, Western University
No classification provided (evidence only). Condition: Melanoma. Review status: no classification provided. Collection method: in vitro. Allele origin: not applicable. Functional consequence: retained intron. Not counted in ClinVar's aggregate classification.